The following is an entry in ClinVar:

ClinVar aggregate classification (germline): Uncertain significance. Review status: criteria provided, multiple submitters, no conflicts (2 of 4 stars). 5 submissions from 5 submitters: Uncertain significance (5). Last evaluated 2024-02-28.

Conditions:
Neurodevelopmental disorder with microcephaly, seizures, and cortical atrophy. Identifiers: MedGen C4540493, MONDO:0060621, OMIM 617802.
Inborn genetic diseases. Identifiers: MedGen C0950123, MeSH D030342.

Allele frequency attached by ClinVar (database versions not stated): gnomAD exomes 0.00005 and 0.00010; ExAC 0.00012; gnomAD 0.00018 and 0.00021; ESP Exome Variant Server 0.00024; TOPMed 0.00030.
gnomAD v4.1: 103 of 1,612,822 alleles (0.0064%); highest among the groups gnomAD compares: African/African-American, 0.08%; no homozygotes.

Submissions (5):

Ambry Genetics
Classification: Uncertain significance for Inborn genetic diseases. Last evaluated: 2024-02-28. Review status: criteria provided, single submitter. Criteria: Ambry Variant Classification Scheme 2023. Collection method: clinical testing. Allele origin: germline.

GeneDx
Classification: Uncertain significance. Last evaluated: 2022-09-20. Review status: criteria provided, single submitter. Criteria: GeneDx Variant Classification Process June 2021. Collection method: clinical testing. Allele origin: germline. Affected: yes.
Comment: In silico analysis supports that this missense variant has a deleterious effect on protein structure/function; Has not been previously published as pathogenic or benign to our knowledge

Revvity Omics, Revvity
Classification: Uncertain significance for Neurodevelopmental disorder with microcephaly, seizures, and cortical atrophy. Last evaluated: 2021-10-04. Review status: criteria provided, single submitter. Criteria: ACMG Guidelines, 2015. Collection method: clinical testing. Allele origin: germline.

Blueprint Genetics
Classification: Uncertain significance. Last evaluated: 2021-02-16. Review status: criteria provided, single submitter. Criteria: ACMG Guidelines, 2015. Collection method: clinical testing. Allele origin: germline.

Illumina Laboratory Services, Illumina
Classification: Uncertain significance for Neurodevelopmental disorder with microcephaly, seizures, and cortical atrophy. Last evaluated: 2021-02-01. Review status: criteria provided, single submitter. Criteria: ICSLVariantClassificationCriteria RUGD 01 April 2020. Collection method: clinical testing. Allele origin: unknown.
Comment: The VARS1 c.2254C>T (p.Arg752Trp) variant is a missense variant. A literature search was performed for the gene, cDNA change, and amino acid change. No publications were found based on this search. The p.Arg752Trp variant is reported at a frequency of 0.000958 in the African/African-American population of the Genome Aggregation Database, which is consistent with the disease prevalence estimates. Based on the limited evidence, the p.Arg752Trp variant is classified as a variant of uncertain significance for neurodevelopmental disorder with microcephaly, seizures, and cortical atrophy.

NM_006295.3(VARS1):c.2254C>T (p.Arg752Trp)

Gene: VARS1 (valyl-tRNA synthetase 1; minus strand). Cytogenetic location: 6p21.33.
Variant type: single nucleotide variant.
Coding change: c.2254C>T on transcript NM_006295.3 (MANE Select); coding-DNA position 2254, C replaced by T.
Protein change: p.Arg752Trp; replaces arginine 752 with tryptophan.
Molecular consequence: missense variant.
Genome position (GRCh38, 1-based): chr6:31,781,940, G>A on the plus strand (C>T on the coding strand, the complement: VARS1 is on the minus strand). VCF-style: chr6-31781940-G-A. GRCh37 (hg19) VCF-style: chr6-31749717-G-A.
Other names: c.2254C>T (NM_006295.2); short protein forms R752W.
Identifiers: ClinVar variation 1199212 (VCV001199212.9), dbSNP rs368988920, ClinGen allele CA3723018.